The following is an entry in ClinVar:

ClinVar aggregate classification (germline): Pathogenic (1 of 4 stars; one submission).

Conditions:
Dystonia 5 (DRD). Also called: Dystonia, DOPA-responsive, with or without hyperphenylalaninemia; DYSTONIA, PROGRESSIVE, WITH DIURNAL VARIATION; DYSTONIA-PARKINSONISM WITH DIURNAL FLUCTUATION; DYT-GCH1; GTP Cyclohydrolase 1-Deficient Dopa-Responsive Dystonia. Identifiers: Orphanet 98808, MedGen C1851920, MONDO:0007495, OMIM 128230.
GTP cyclohydrolase I deficiency. Identifiers: MedGen C0268467, MONDO:0100184.

Submission:

Labcorp Genetics (formerly Invitae), Labcorp
Classification: Pathogenic for GTP cyclohydrolase I deficiency; Dystonia 5. Last evaluated: 2018-11-08. Review status: criteria provided, single submitter. Criteria: Invitae Variant Classification Sherloc (09022015). Collection method: clinical testing. Allele origin: germline.
Comment: For these reasons, this variant has been classified as Pathogenic. Loss-of-function variants in GCH1 are known to be pathogenic (PMID: 19491146). This variant has not been reported in the literature in individuals with GCH1-related disease. This variant is not present in population databases (ExAC no frequency). This sequence change creates a premature translational stop signal (p.Ala44Glyfs*22) in the GCH1 gene. It is expected to result in an absent or disrupted protein product.

Literature cited by the submitters: PubMed 19491146.

NM_000161.3(GCH1):c.127_130dup (p.Ala44fs)

Gene: GCH1 (GTP cyclohydrolase 1; minus strand). Cytogenetic location: 14q22.2.
Variant type: Duplication.
Coding change: c.127_130dup on transcript NM_000161.3 (MANE Select); coding-DNA positions 127 to 130, 4 bases duplicated (GAGG; older notation c.127_130dupGAGG).
Protein change: p.Ala44fs; shifts the reading frame from alanine 44.
Molecular consequence: frameshift variant.
Genome position (GRCh38, 1-based): chr14:54,902,534-54,902,537, CCTC duplicated on the plus strand (GAGG on the coding strand, the reverse complement: GCH1 is on the minus strand). VCF-style (leftmost placement, unchanged base first): chr14-54902533-G-GCCTC. GRCh37 (hg19) VCF-style: chr14-55369251-G-GCCTC.
Other names: c.127_130dup, p.Ala44fs (NM_001024024.2, NM_001024070.2, NM_001024071.2); short protein forms A44fs.
Identifiers: ClinVar variation 641586 (VCV000641586.6), dbSNP rs1595031524, ClinGen allele CA915947612.